The following is an entry in ClinVar:

NM_001287.6(CLCN7):c.1565C>T (p.Ala522Val)

Gene: CLCN7 (Cl-/H+ antiporter 7; minus strand). Cytogenetic location: 16p13.3.
Variant type: single nucleotide variant.
Coding change: c.1565C>T on transcript NM_001287.6 (MANE Select); coding-DNA position 1565, C replaced by T.
Protein change: p.Ala522Val; replaces alanine 522 with valine.
Molecular consequence: missense variant.
Genome position (GRCh38, 1-based): chr16:1,450,549, G>A on the plus strand (C>T on the coding strand, the complement: CLCN7 is on the minus strand). VCF-style: chr16-1450549-G-A. GRCh37 (hg19) VCF-style: chr16-1500550-G-A.
Other names: c.1493C>T, p.Ala498Val (NM_001114331.3); short protein forms A522V, A498V.
Identifiers: ClinVar variation 2855627 (VCV002855627.3), dbSNP rs2505819321, ClinGen allele CA394187495.

ClinVar aggregate classification (germline): Uncertain significance (1 of 4 stars; one submission).

Submission:

Labcorp Genetics (formerly Invitae), Labcorp
Classification: Uncertain significance. Last evaluated: 2025-10-09. Review status: criteria provided, single submitter. Criteria: Invitae Variant Classification Sherloc (09022015). Collection method: clinical testing. Allele origin: germline.
Comment: This sequence change replaces alanine, which is neutral and non-polar, with valine, which is neutral and non-polar, at codon 522 of the CLCN7 protein (p.Ala522Val). This variant is not present in population databases (gnomAD no frequency). This variant has not been reported in the literature in individuals affected with CLCN7-related conditions. ClinVar contains an entry for this variant (Variation ID: 2855627). Invitae Evidence Modeling of protein sequence and biophysical properties (such as structural, functional, and spatial information, amino acid conservation, physicochemical variation, residue mobility, and thermodynamic stability) indicates that this missense variant is expected to disrupt CLCN7 protein function with a positive predictive value of 95%. In summary, the available evidence is currently insufficient to determine the role of this variant in disease. Therefore, it has been classified as a Variant of Uncertain Significance.